The following is an entry in ClinVar:

ClinVar aggregate classification (germline): Uncertain significance (1 of 4 stars; one submission).

Conditions:
Progressive myoclonic epilepsy. Also called: Myoclonus epilepsy; Progressive myoclonus epilepsy; Familial progressive myoclonic epilepsy; Myoclonic Epilepsies, Progressive. Identifiers: Orphanet 308, Orphanet 98261, MedGen C0751778, MONDO:0020074.

Submission:

Labcorp Genetics (formerly Invitae), Labcorp
Classification: Uncertain significance for Progressive myoclonic epilepsy. Last evaluated: 2022-02-04. Review status: criteria provided, single submitter. Criteria: Invitae Variant Classification Sherloc (09022015). Collection method: clinical testing. Allele origin: germline.
Comment: In summary, the available evidence is currently insufficient to determine the role of this variant in disease. Therefore, it has been classified as a Variant of Uncertain Significance. Experimental studies and prediction algorithms are not available or were not evaluated, and the functional significance of this variant is currently unknown. ClinVar contains an entry for this variant (Variation ID: 1057497). This variant has not been reported in the literature in individuals affected with GOSR2-related conditions. This variant is not present in population databases (gnomAD no frequency). This sequence change disrupts the translational stop signal of the GOSR2 mRNA. It is expected to extend the length of the GOSR2 protein by 20 additional amino acid residues.

NM_004287.5(GOSR2):c.639A>G (p.Ter213Trp)

Genes: GOSR2 (golgi SNAP receptor complex member 2; plus strand), LRRC37A2 (leucine rich repeat containing 37 member A2). Cytogenetic location: 17q21.32.
Variant type: single nucleotide variant.
Coding change: c.639A>G on transcript NM_004287.5 (MANE Select); coding-DNA position 639, A replaced by G.
Protein change: p.Ter213Trp.
Molecular consequence: stop lost. On other transcripts: intron variant (3).
Genome position (GRCh38, 1-based): chr17:46,938,760, A>G. VCF-style: chr17-46938760-A-G. GRCh37 (hg19) VCF-style: chr17-45016126-A-G.
Other names: c.444A>G, p.Ter148Trp (NM_001321134.2); c.498A>G, p.Ter166Trp (NM_001330252.2); c.636A>G, p.Ter212Trp (NM_001353114.2); c.495A>G, p.Ter165Trp (NM_001353115.2); c.585A>G, p.Ter195Trp (NM_001363851.2); c.583+56A>G (NM_001321133.2, NM_054022.4); c.439+56A>G (NM_001353116.2).
Identifiers: ClinVar variation 1057497 (VCV001057497.9), dbSNP rs2147052419, ClinGen allele CA400019254.
Genomic context (GRCh38, chr17:46,938,760, plus strand): 5'-GATAGGTGGGATGCTGCTGACCTGTGTGGTCATGTTCCTCGTGGTGCAGTACCTGACATG[A>G]GCCAGCCACGCTCAGTGGCTGAACAGCATTCCCACAGCCTGCAAGTGTGTGTGTGTGTGA-3'